The following is an entry in ClinVar:

NM_020232.5(PSMG2):c.431dup (p.Pro145fs)

Gene: PSMG2 (proteasome assembly chaperone 2; plus strand). Cytogenetic location: 18p11.21.
Variant type: Duplication.
Coding change: c.431dup on transcript NM_020232.5 (MANE Select); coding-DNA position 431, one base duplicated (C; older notation c.431dupC).
Protein change: p.Pro145fs; shifts the reading frame from proline 145.
Molecular consequence: frameshift variant.
Genome position (GRCh38, 1-based): chr18:12,720,533, C duplicated. VCF-style (leftmost placement, unchanged base first): chr18-12720532-A-AC. GRCh37 (hg19) VCF-style: chr18-12720531-A-AC.
Other names: c.338dup, p.Pro114fs (NM_147163.2); short protein forms P114fs, P145fs.
Identifiers: ClinVar variation 3671626 (VCV003671626.2).
Genomic context (GRCh38, chr18:12,720,532, plus strand): 5'-TAGAGTTTTTAAAAAGTTAACTATATGATTATTTCTAGTACTCCCTTCCGGTACCTACTT[A>AC]CACCTTCCATGCAAAAAAGTGTTCAAAATAAAATAAAGAGCCTTAACTGGGAAGAAATGG-3'

ClinVar aggregate classification (germline): Uncertain significance (1 of 4 stars; one submission).

Submission:

Labcorp Genetics (formerly Invitae), Labcorp
Classification: Uncertain significance. Last evaluated: 2024-09-29. Review status: criteria provided, single submitter. Criteria: Invitae Variant Classification Sherloc (09022015). Collection method: clinical testing. Allele origin: germline.
Comment: This sequence change creates a premature translational stop signal (p.Pro145Thrfs*10) in the PSMG2 gene. It is expected to result in an absent or disrupted protein product. However, the current clinical and genetic evidence is not sufficient to establish whether loss-of-function variants in PSMG2 cause disease. This variant is not present in population databases (gnomAD no frequency). This variant has not been reported in the literature in individuals affected with PSMG2-related conditions. In summary, the available evidence is currently insufficient to determine the role of this variant in disease. Therefore, it has been classified as a Variant of Uncertain Significance.